The following is an entry in ClinVar:

NM_000578.4(SLC11A1):c.870C>T (p.Ile290=)

Gene: SLC11A1 (solute carrier family 11 member 1; plus strand). Cytogenetic location: 2q35.
Variant type: single nucleotide variant.
Coding change: c.870C>T on transcript NM_000578.4 (MANE Select); coding-DNA position 870, C replaced by T.
Protein change: p.Ile290=; no amino-acid change (isoleucine 290 retained).
Molecular consequence: synonymous variant.
Genome position (GRCh38, 1-based): chr2:218,389,944, C>T. VCF-style: chr2-218389944-C-T. GRCh37 (hg19) VCF-style: chr2-219254667-C-T.
Identifiers: ClinVar variation 3040630 (VCV003040630.2), dbSNP rs560129385, ClinGen allele CA2105104.

ClinVar aggregate classification (germline): Likely benign (0 of 4 stars; one submission).

Conditions:
SLC11A1-related disorder. Also called: SLC11A1-related condition.

Allele frequency attached by ClinVar (database versions not stated): ExAC 0.00002; TOPMed 0.00004; gnomAD 0.00005; 1000 Genomes Project 30x 0.00016; 1000 Genomes Project 0.00020.

Submission:

PreventionGenetics, part of Exact Sciences
Classification: Likely benign for SLC11A1-related condition. Last evaluated: 2019-09-06. Review status: no assertion criteria provided. Collection method: clinical testing. Allele origin: germline.
Comment: This variant is classified as likely benign based on ACMG/AMP sequence variant interpretation guidelines (Richards et al. 2015 PMID: 25741868, with internal and published modifications).